The following is an entry in ClinVar:

ClinVar aggregate classification (germline): Likely benign (0 of 4 stars; one submission).

Conditions:
MC3R-related disorder. Also called: MC3R-related condition.

Submission:

PreventionGenetics, part of Exact Sciences
Classification: Likely benign for MC3R-related condition. Last evaluated: 2020-06-18. Review status: no assertion criteria provided. Collection method: clinical testing. Allele origin: germline.
Comment: This variant is classified as likely benign based on ACMG/AMP sequence variant interpretation guidelines (Richards et al. 2015 PMID: 25741868, with internal and published modifications).

NM_019888.3(MC3R):c.876C>T (p.Ser292=)

Gene: MC3R (melanocortin 3 receptor; plus strand). Cytogenetic location: 20q13.2.
Variant type: single nucleotide variant.
Coding change: c.876C>T on transcript NM_019888.3 (MANE Select); coding-DNA position 876, C replaced by T.
Protein change: p.Ser292=; no amino-acid change (serine 292 retained).
Molecular consequence: synonymous variant.
Genome position (GRCh38, 1-based): chr20:56,249,719, C>T. VCF-style: chr20-56249719-C-T. GRCh37 (hg19) VCF-style: chr20-54824775-C-T.
Identifiers: ClinVar variation 3352078 (VCV003352078.1).